The following is an entry in ClinVar:

ClinVar aggregate classification (germline): not provided (0 of 4 stars; one submission).

Submission:

Human Evolutionary Genetics, Institut Pasteur
No classification provided. Review status: no classification provided. Collection method: not provided. Allele origin: germline.
ClinVar note: Converted during submission from untested to not provided.

NC_000016.10:g.56989240G>A

Gene: NLRC5 (NLR family CARD domain containing 5; plus strand). Cytogenetic location: 16q13.
Variant type: single nucleotide variant.
Genome position: GRCh38 VCF-style: chr16-56989240-G-A. GRCh37 (hg19) VCF-style: chr16-57023152-G-A.
Identifiers: ClinVar variation 102977 (VCV000102977.2), dbSNP rs199475963, ClinGen allele CA229943.